The following is an entry in ClinVar:

ClinVar aggregate classification (germline): Pathogenic (0 of 4 stars; one submission).

Conditions:
Pseudohypoaldosteronism type 2A (PHA2A). Also called: GORDON HYPERKALEMIA-HYPERTENSION SYNDROME; HYPERTENSIVE HYPERKALEMIA, FAMILIAL. Identifiers: Orphanet 757, Orphanet 88938, MedGen C1840389, MONDO:0007772, OMIM 145260.

Submission:

Richard Lifton Laboratory, Yale University School of Medicine
Classification: Pathogenic for Pseudohypoaldosteronism, type 2. Review status: no assertion criteria provided. Collection method: not provided. Allele origin: germline.
Comment: dominant;exon 9 splice enhancer
ClinVar note: Converted during submission from pathogenic to Pathogenic.

NM_003590.5(CUL3):c.1236G>A (p.Leu412=)

Gene: CUL3 (cullin 3; minus strand). Cytogenetic location: 2q36.2.
Variant type: single nucleotide variant.
Coding change: c.1236G>A on transcript NM_003590.5 (MANE Select); coding-DNA position 1236, G replaced by A.
Protein change: p.Leu412=; no amino-acid change (leucine 412 retained).
Molecular consequence: synonymous variant.
Genome position (GRCh38, 1-based): chr2:224,503,793, C>T on the plus strand (G>A on the coding strand, the complement: CUL3 is on the minus strand). VCF-style: chr2-224503793-C-T. GRCh37 (hg19) VCF-style: chr2-225368510-C-T.
Other names: ESE_g(3)a; L412L; c.1038G>A, p.Leu346= (NM_001257197.2); c.1254G>A, p.Leu418= (NM_001257198.2).
Identifiers: ClinVar variation 100521 (VCV000100521.3), dbSNP rs199469655, ClinGen allele CA269960.